The following is an entry in ClinVar:

ClinVar aggregate classification (germline): Benign/Likely benign. Review status: criteria provided, multiple submitters, no conflicts (2 of 4 stars). 16 submissions from 16 submitters: Benign (6); Likely benign (6). 4 of the submissions do not count toward it. Last evaluated 2026-09-01.

Conditions:
Hereditary neuropathy or pain disorder.
Inborn genetic diseases. Identifiers: MedGen C0950123, MeSH D030342.
Charcot-Marie-Tooth disease type 2. Also called: Charcot-Marie-Tooth type 2. Identifiers: Orphanet 64746, MedGen C0270914, MONDO:0018993.
Charcot-Marie-Tooth disease axonal type 2N (CMT2N). Also called: CHARCOT-MARIE-TOOTH DISEASE, AXONAL, AUTOSOMAL DOMINANT, TYPE 2N; CHARCOT-MARIE-TOOTH NEUROPATHY, AXONAL, TYPE 2N; Charcot-Marie-Tooth Neuropathy Type 2N. Identifiers: Orphanet 228174, MedGen C2750090, MONDO:0013212, OMIM 613287.
Leukoencephalopathy, hereditary diffuse, with spheroids 2 (HDLS2). Also called: LEUKOENCEPHALOPATHY, HEREDITARY DIFFUSE, WITH SPHEROIDS, SWEDISH TYPE. Identifiers: MedGen C5562044, MONDO:0030634, OMIM 619661.
Trichothiodystrophy 8, nonphotosensitive. Identifiers: MedGen C5562057, MONDO:0030517, OMIM 619691.
Developmental and epileptic encephalopathy, 29 (DEE29). Also called: Epileptic encephalopathy, early infantile, 29. Identifiers: Orphanet 442835, MedGen C4225361, MONDO:0014593, OMIM 616339.

Allele frequency attached by ClinVar (database versions not stated): 1000 Genomes Project 30x 0.00109; 1000 Genomes Project 0.00140; gnomAD 0.00234 and 0.00236; ExAC 0.00236; gnomAD exomes 0.00237 and 0.00431; TOPMed 0.00246; ESP Exome Variant Server 0.00323.
gnomAD v4.1: 6,636 of 1,604,542 alleles (0.41%); highest among the groups gnomAD compares: Non-Finnish European, 0.51%; 36 homozygotes.

Submissions (16):

CeGaT Center for Human Genetics Tuebingen
Classification: Likely benign. Last evaluated: 2026-09-01. Review status: criteria provided, single submitter. Criteria: CeGaT Center For Human Genetics Tuebingen Variant Classification Criteria Version 2. Collection method: clinical testing. Allele origin: germline. Affected: yes. Observed: 48 variant alleles.
Comment: AARS1: BP4, BS2

NHS Central & South Genomic Laboratory Hub
Classification: Likely benign for Hereditary neuropathy or pain disorder. Last evaluated: 2026-04-22. Review status: criteria provided, single submitter. Criteria: ACMG Guidelines, 2015. Collection method: clinical testing. Allele origin: germline. Affected: yes.

Labcorp Genetics (formerly Invitae), Labcorp
Classification: Benign for Charcot-Marie-Tooth disease type 2. Last evaluated: 2026-02-03. Review status: criteria provided, single submitter. Criteria: Invitae Variant Classification Sherloc (09022015). Collection method: clinical testing. Allele origin: germline.

ARUP Laboratories, Molecular Genetics and Genomics, ARUP Laboratories
Classification: Benign. Last evaluated: 2025-07-17. Review status: criteria provided, single submitter. Criteria: ARUP Molecular Germline Variant Investigation Process 2024. Collection method: clinical testing. Allele origin: germline.

Blueprint Genetics
Classification: Likely benign. Last evaluated: 2024-11-25. Review status: criteria provided, single submitter. Criteria: ACMG Guidelines, 2015. Collection method: clinical testing. Allele origin: germline.

Mayo Clinic Laboratories, Mayo Clinic
Classification: Benign. Last evaluated: 2024-04-11. Review status: criteria provided, single submitter. Criteria: ACMG Guidelines, 2015. Collection method: clinical testing. Allele origin: germline. Observed: 11 variant alleles.
Comment: BS1, BS2, BP4, BP7

Fulgent Genetics
Classification: Likely benign for Charcot-Marie-Tooth disease axonal type 2N; Developmental and epileptic encephalopathy, 29; Leukoencephalopathy, hereditary diffuse, with spheroids 2; Trichothiodystrophy 8, nonphotosensitive. Last evaluated: 2022-05-31. Review status: criteria provided, single submitter. Criteria: ACMG Guidelines, 2015. Collection method: clinical testing. Allele origin: unknown.

Ambry Genetics
Classification: Likely benign for Inborn genetic diseases. Last evaluated: 2019-08-27. Review status: criteria provided, single submitter. Criteria: Ambry Variant Classification Scheme 2023. Collection method: clinical testing. Allele origin: germline.

Illumina Laboratory Services, Illumina
Classification: Benign for Charcot-Marie-Tooth disease axonal type 2N. Last evaluated: 2018-01-12. Review status: criteria provided, single submitter. Criteria: ICSL Variant Classification Criteria 13 December 2019. Collection method: clinical testing. Allele origin: germline.
Comment: This variant was observed in the ICSL laboratory as part of a predisposition screen in an ostensibly healthy population. It had not been previously curated by ICSL or reported in the Human Gene Mutation Database (HGMD: prior to June 1st, 2018), and was therefore a candidate for classification through an automated scoring system. Utilizing variant allele frequency, disease prevalence and penetrance estimates, and inheritance mode, an automated score was calculated to assess if this variant is too frequent to cause the disease. Based on the score and internal cut-off values, a variant classified as benign is not then subjected to further curation. The score for this variant resulted in a classification of benign for this disease.

Eurofins Ntd Llc (ga)
Classification: Benign. Last evaluated: 2017-04-27. Review status: criteria provided, single submitter. Criteria: EGL Classification Definitions 2015. Collection method: clinical testing. Allele origin: germline. Observed: 4 variant alleles, 4 heterozygotes.

GeneDx
Classification: Benign. Last evaluated: 2015-03-03. Review status: criteria provided, single submitter. Criteria: GeneDx Variant Classification Process June 2021. Collection method: clinical testing. Allele origin: germline. Affected: yes.

Breakthrough Genomics
Classification: Likely benign. Review status: criteria provided, single submitter. Criteria: ACMG Guidelines, 2015. Collection method: not provided. Allele origin: germline. Inheritance: Autosomal recessive inheritance. Affected: yes.

Clinical Genetics DNA and cytogenetics Diagnostics Lab, Erasmus MC, Erasmus Medical Center
Classification: Likely benign. Review status: no assertion criteria provided. Collection method: clinical testing. Allele origin: germline. Affected: yes. Study: VKGL Data-share Consensus. Not counted in ClinVar's aggregate classification.

Clinical Genetics, Academic Medical Center
Classification: Benign. Review status: no assertion criteria provided. Collection method: clinical testing. Allele origin: germline. Affected: yes. Study: VKGL Data-share Consensus. Not counted in ClinVar's aggregate classification.

Diagnostic Laboratory, Department of Genetics, University Medical Center Groningen
Classification: Likely benign. Review status: no assertion criteria provided. Collection method: clinical testing. Allele origin: germline. Affected: yes. Study: VKGL Data-share Consensus. Not counted in ClinVar's aggregate classification.

Genome Diagnostics Laboratory, University Medical Center Utrecht
Classification: Likely benign. Review status: no assertion criteria provided. Collection method: clinical testing. Allele origin: germline. Affected: yes. Study: VKGL Data-share Consensus. Not counted in ClinVar's aggregate classification.

Literature cited by the submitters: PubMed 31069529 (cited by Mayo Clinic Laboratories, Mayo Clinic).

NM_001605.3(AARS1):c.1672-4T>A

Gene: AARS1 (alanyl-tRNA synthetase 1; minus strand). Cytogenetic location: 16q22.1.
Variant type: single nucleotide variant.
Coding change: c.1672-4T>A on transcript NM_001605.3 (MANE Select); 4 bases into the intron before coding-DNA position 1672, T replaced by A.
Molecular consequence: intron variant.
Genome position (GRCh38, 1-based): chr16:70,261,161, A>T on the plus strand (T>A on the coding strand, the complement: AARS1 is on the minus strand). VCF-style: chr16-70261161-A-T. GRCh37 (hg19) VCF-style: chr16-70295064-A-T.
Other names: p.?.
Identifiers: ClinVar variation 215497 (VCV000215497.70), dbSNP rs187509039, ClinGen allele CA337192.